The following is an entry in ClinVar:

NM_005739.4(RASGRP1):c.1446T>C (p.Tyr482=)

Gene: RASGRP1 (RAS guanyl releasing protein 1; minus strand). Cytogenetic location: 15q14.
Variant type: single nucleotide variant.
Coding change: c.1446T>C on transcript NM_005739.4 (MANE Select); coding-DNA position 1446, T replaced by C.
Protein change: p.Tyr482=; no amino-acid change (tyrosine 482 retained).
Molecular consequence: synonymous variant.
Genome position (GRCh38, 1-based): chr15:38,502,404, A>G on the plus strand (T>C on the coding strand, the complement: RASGRP1 is on the minus strand). VCF-style: chr15-38502404-A-G. GRCh37 (hg19) VCF-style: chr15-38794605-A-G.
Other names: c.1341T>C, p.Tyr447= (NM_001128602.2, NM_001306086.2).
Identifiers: ClinVar variation 1170545 (VCV001170545.16), dbSNP rs77995194, ClinGen allele CA7470893.
Genomic context (GRCh38, chr15:38,502,404, plus strand): 5'-AAAACTCGCAGCAATCTTTTCAAATTCTTCCTGAGAAATGTATCCATCCTGGTCGTGATC[A>G]TAGTTCTTGAAGACAGACTGTGAAAAAGGAGTTTTTTTGGTGATTACTAAAGAGAAACCG-3'
Protein context (NP_005730.2, residues 472-492): QRMVDSVFKN[Tyr482=]DHDQDGYISQ

ClinVar aggregate classification (germline): Benign. Review status: criteria provided, multiple submitters, no conflicts (2 of 4 stars). 4 submissions from 4 submitters: Benign (3). 1 of the submissions does not count toward it. Last evaluated 2026-02-01.

Conditions:
RASGRP1-related disorder. Also called: RASGRP1-related condition.

Allele frequency attached by ClinVar (database versions not stated): ExAC 0.00176; 1000 Genomes Project 0.00619; TOPMed 0.00619; ESP Exome Variant Server 0.00676; gnomAD 0.00550 and 0.00597; gnomAD exomes 0.00050 and 0.00134; 1000 Genomes Project 30x 0.00640.
gnomAD v4.1: 1,603 of 1,597,488 alleles (0.1%); highest among the groups gnomAD compares: African/African-American, 1.9%; 14 homozygotes.

Submissions (4):

Labcorp Genetics (formerly Invitae), Labcorp
Classification: Benign. Last evaluated: 2026-02-01. Review status: criteria provided, single submitter. Criteria: Invitae Variant Classification Sherloc (09022015). Collection method: clinical testing. Allele origin: germline.

Genetic Services Laboratory, University of Chicago
Classification: Benign. Last evaluated: 2021-07-19. Review status: criteria provided, single submitter. Criteria: ACMG Guidelines, 2015. Collection method: clinical testing. Allele origin: germline. Affected: no.

Breakthrough Genomics
Classification: Benign. Review status: criteria provided, single submitter. Criteria: ACMG Guidelines, 2015. Collection method: not provided. Allele origin: germline. Inheritance: Autosomal recessive inheritance. Affected: yes.

PreventionGenetics, part of Exact Sciences
Classification: Benign for RASGRP1-related condition. Last evaluated: 2019-10-28. Review status: no assertion criteria provided. Collection method: clinical testing. Allele origin: germline. Not counted in ClinVar's aggregate classification.
Comment: This variant is classified as benign based on ACMG/AMP sequence variant interpretation guidelines (Richards et al. 2015 PMID: 25741868, with internal and published modifications).